The following is an entry in ClinVar:

NM_198578.4(LRRK2):c.3686A>C (p.His1229Pro)

Gene: LRRK2 (leucine rich repeat kinase 2; plus strand). Cytogenetic location: 12q12.
Variant type: single nucleotide variant.
Coding change: c.3686A>C on transcript NM_198578.4 (MANE Select); coding-DNA position 3686, A replaced by C.
Protein change: p.His1229Pro; replaces histidine 1229 with proline.
Molecular consequence: missense variant.
Genome position (GRCh38, 1-based): chr12:40,304,043, A>C. VCF-style: chr12-40304043-A-C. GRCh37 (hg19) VCF-style: chr12-40697845-A-C.
Other names: short protein forms H1229P.
Identifiers: ClinVar variation 1733919 (VCV001733919.2), dbSNP rs770448977, ClinGen allele CA6513980.

ClinVar aggregate classification (germline): Uncertain significance (1 of 4 stars; one submission).

Conditions:
Inborn genetic diseases. Identifiers: MedGen C0950123, MeSH D030342.

Allele frequency attached by ClinVar (database versions not stated): ExAC 0.00002.
gnomAD v4.1: 5 of 1,613,788 alleles (0.00031%); no homozygotes.

Submission:

Ambry Genetics
Classification: Uncertain significance for Inborn genetic diseases. Last evaluated: 2022-10-28. Review status: criteria provided, single submitter. Criteria: Ambry Variant Classification Scheme 2023. Collection method: clinical testing. Allele origin: germline.
Comment: The p.H1229P variant (also known as c.3686A>C), located in coding exon 27 of the LRRK2 gene, results from an A to C substitution at nucleotide position 3686. The histidine at codon 1229 is replaced by proline, an amino acid with similar properties. This amino acid position is conserved. In addition, this alteration is predicted to be tolerated by in silico analysis. Since supporting evidence is limited at this time, the clinical significance of this alteration remains unclear.